The following is an entry in ClinVar:

NM_001267550.2(TTN):c.61757_61758del (p.Cys20586fs)

Genes: TTN-AS1 (TTN antisense RNA 1; plus strand), TTN (titin; minus strand). Cytogenetic location: 2q31.2.
Variant type: Deletion.
Coding change: c.61757_61758del on transcript NM_001267550.2 (MANE Select); coding-DNA positions 61757 to 61758, 2 bases deleted (GT; older notation c.61757_61758delGT).
Protein change: p.Cys20586fs; shifts the reading frame from cysteine 20586.
Molecular consequence: frameshift variant.
Genome position (GRCh38, 1-based): chr2:178,589,967-178,589,968, AC deleted on the plus strand (GT on the coding strand, the reverse complement: TTN is on the minus strand); deleting any 2 consecutive bases within chr2:178,589,967-178,589,969 gives the same sequence; the c. name uses the placement nearest the transcript's 3' end. VCF-style (leftmost placement, unchanged base first): chr2-178589966-TAC-T. GRCh37 (hg19) VCF-style: chr2-179454693-TAC-T.
Other names: c.56834_56835del, p.Cys18945fs (NM_001256850.1); c.34562_34563del, p.Cys11521fs (NM_003319.4); c.54053_54054del, p.Cys18018fs (NM_133378.4); c.34937_34938del, p.Cys11646fs (NM_133432.3); c.35138_35139del, p.Cys11713fs (NM_133437.4); c.61757_61758delGT (NM_001267550.2); short protein forms C11521fs, C11713fs, C20586fs, C11646fs, C18018fs, C18945fs.
Identifiers: ClinVar variation 651665 (VCV000651665.9), dbSNP rs1264036094, ClinGen allele CA538435557.

ClinVar aggregate classification (germline): Likely pathogenic (1 of 4 stars; one submission).

Conditions:
Autosomal recessive limb-girdle muscular dystrophy type 2J (LGMDR10). Also called: Limb-girdle muscular dystrophy, type 2J; MUSCULAR DYSTROPHY, LIMB-GIRDLE, AUTOSOMAL RECESSIVE 10. Identifiers: Orphanet 140922, MedGen C1837342, MONDO:0012127, OMIM 608807.
Dilated cardiomyopathy 1G (CMD1G). Identifiers: Orphanet 154, MedGen C1858763, MONDO:0011400, OMIM 604145.

Submission:

Labcorp Genetics (formerly Invitae), Labcorp
Classification: Likely pathogenic for Dilated cardiomyopathy 1G; Autosomal recessive limb-girdle muscular dystrophy type 2J. Last evaluated: 2018-11-20. Review status: criteria provided, single submitter. Criteria: Invitae Variant Classification Sherloc (09022015). Collection method: clinical testing. Allele origin: germline.
Comment: In summary, the currently available evidence indicates that the variant is pathogenic, but additional data are needed to prove that conclusively. Therefore, this variant has been classified as Likely Pathogenic. This variant is located in the A band of TTN (PMID: 25589632). Truncating variants in this region are significantly overrepresented in patients affected with dilated cardiomyopathy (PMID: 25589632). Truncating variants in this region have also been reported in individuals affected with autosomal recessive centronuclear myopathy (PMID: 23975875). This variant has not been reported in the literature in individuals with TTN-related disease. This variant is not present in population databases (ExAC no frequency). This sequence change results in a premature translational stop signal in the TTN gene (p.Cys20586Tyrfs*10). While this is not anticipated to result in nonsense mediated decay, it is expected to create a truncated TTN protein

Literature cited by the submitters: PubMed 25589632; PubMed 23975875.